The following is an entry in ClinVar:

NM_001378454.1(ALMS1):c.1854_1856dup (p.Ser619_Thr620insSer)

Gene: ALMS1 (ALMS1 centrosome and basal body associated protein; plus strand). Cytogenetic location: 2p13.1.
Variant type: Duplication.
Coding change: c.1854_1856dup on transcript NM_001378454.1 (MANE Select); coding-DNA positions 1854 to 1856, 3 bases duplicated (CTC; older notation c.1854_1856dupCTC).
Protein change: p.Ser619_Thr620insSer.
Molecular consequence: inframe insertion.
Genome position (GRCh38, 1-based): chr2:73,448,381-73,448,383, CTC duplicated; duplicating any 3 consecutive bases within chr2:73,448,380-73,448,383 gives the same sequence; the c. name uses the placement nearest the transcript's 3' end. VCF-style (leftmost placement, unchanged base first): chr2-73448379-A-ACCT. GRCh37 (hg19) VCF-style: chr2-73675506-A-ACCT.
Other names: c.1857_1859dup, p.Ser620_Thr621insSer (NM_015120.4).
Identifiers: ClinVar variation 2058722 (VCV002058722.2), dbSNP rs2466092517, ClinGen allele CA2577004921.

ClinVar aggregate classification (germline): Uncertain significance (1 of 4 stars; one submission).

Conditions:
Alstrom syndrome (ALMS). Identifiers: Orphanet 64, MedGen C0268425, MONDO:0008763, OMIM 203800.

Submission:

Labcorp Genetics (formerly Invitae), Labcorp
Classification: Uncertain significance for Alstrom syndrome. Last evaluated: 2022-03-20. Review status: criteria provided, single submitter. Criteria: Invitae Variant Classification Sherloc (09022015). Collection method: clinical testing. Allele origin: germline.
Comment: This variant, c.1857_1859dup, results in the insertion of 1 amino acid(s) of the ALMS1 protein (p.Ser620dup), but otherwise preserves the integrity of the reading frame. This variant is not present in population databases (gnomAD no frequency). In summary, the available evidence is currently insufficient to determine the role of this variant in disease. Therefore, it has been classified as a Variant of Uncertain Significance. Experimental studies and prediction algorithms are not available or were not evaluated, and the functional significance of this variant is currently unknown. This variant has not been reported in the literature in individuals affected with ALMS1-related conditions.